The following is an entry in ClinVar:

ClinVar aggregate classification (germline): Uncertain significance. Review status: criteria provided, multiple submitters, no conflicts (2 of 4 stars). 2 submissions from 2 submitters: Uncertain significance (2). Last evaluated 2026-01-05.

Conditions:
Inborn genetic diseases. Identifiers: MedGen C0950123, MeSH D030342.

gnomAD v4.1: 4 of 1,613,922 alleles (0.00025%); highest among the groups gnomAD compares: Admixed American, 0.0033%; no homozygotes.

Submissions (2):

Dasa
Classification: Uncertain significance. Last evaluated: 2026-01-05. Review status: criteria provided, single submitter. Criteria: DASA Assertion Criteria. Collection method: clinical testing. Allele origin: germline.
Comment: NM_018489.3(ASH1L):c.4781A>C (p.Asn1594Thr) is a missense variant that results in the substitution of asparagine with threonine. This variant is rare in population databases. The currently available literature and clinical evidence are not sufficient to establish a definitive association between this variant and the reported condition. Therefore, this variant is classified as a variant of uncertain significance.

Ambry Genetics
Classification: Uncertain significance for Inborn genetic diseases. Last evaluated: 2025-03-18. Review status: criteria provided, single submitter. Criteria: Ambry Variant Classification Scheme 2023. Collection method: clinical testing. Allele origin: germline.

NM_018489.3(ASH1L):c.4781A>C (p.Asn1594Thr)

Gene: ASH1L (ASH1 like histone lysine methyltransferase; minus strand). Cytogenetic location: 1q22.
Variant type: single nucleotide variant.
Coding change: c.4781A>C on transcript NM_018489.3 (MANE Select); coding-DNA position 4781, A replaced by C.
Protein change: p.Asn1594Thr; replaces asparagine 1594 with threonine.
Molecular consequence: missense variant.
Genome position (GRCh38, 1-based): chr1:155,478,089, T>G on the plus strand (A>C on the coding strand, the complement: ASH1L is on the minus strand). VCF-style: chr1-155478089-T-G. GRCh37 (hg19) VCF-style: chr1-155447880-T-G.
Other names: c.4781A>C, p.Asn1594Thr (NM_001366177.2); short protein forms N1594T.
Identifiers: ClinVar variation 3952403 (VCV003952403.3).